The following is an entry in ClinVar:

NM_018060.4(IARS2):c.1256A>G (p.Asp419Gly)

Gene: IARS2 (isoleucyl-tRNA synthetase 2, mitochondrial; plus strand). Cytogenetic location: 1q41.
Variant type: single nucleotide variant.
Coding change: c.1256A>G on transcript NM_018060.4 (MANE Select); coding-DNA position 1256, A replaced by G.
Protein change: p.Asp419Gly; replaces aspartic acid 419 with glycine.
Molecular consequence: missense variant.
Genome position (GRCh38, 1-based): chr1:220,107,080, A>G. VCF-style: chr1-220107080-A-G. GRCh37 (hg19) VCF-style: chr1-220280422-A-G.
Other names: short protein forms D419G.
Identifiers: ClinVar variation 1702550 (VCV001702550.2), dbSNP rs765057802, ClinGen allele CA37545588.

ClinVar aggregate classification (germline): Uncertain significance (1 of 4 stars; one submission).

Allele frequency attached by ClinVar (database versions not stated): gnomAD exomes below 0.00001.
gnomAD v4.1: 4 of 1,611,876 alleles (0.00025%); highest among the groups gnomAD compares: Non-Finnish European, 0.00034%; no homozygotes.

Submission:

GeneDx
Classification: Uncertain significance. Last evaluated: 2022-02-11. Review status: criteria provided, single submitter. Criteria: GeneDx Variant Classification Process June 2021. Collection method: clinical testing. Allele origin: germline. Affected: yes.
Comment: Not observed at significant frequency in large population cohorts (gnomAD); In silico analysis supports that this missense variant has a deleterious effect on protein structure/function; Has not been previously published as pathogenic or benign to our knowledge